The following is an entry in ClinVar:

NM_000557.5(GDF5):c.205dup (p.Ala69fs)

Gene: GDF5 (growth differentiation factor 5; minus strand). Cytogenetic location: 20q11.22.
Variant type: Duplication.
Coding change: c.205dup on transcript NM_000557.5 (MANE Select); coding-DNA position 205, one base duplicated (G; older notation c.205dupG).
Protein change: p.Ala69fs; shifts the reading frame from alanine 69.
Molecular consequence: frameshift variant.
Genome position (GRCh38, 1-based): chr20:35,437,724, C duplicated on the plus strand (G on the coding strand, the reverse complement: GDF5 is on the minus strand); the first of 7 consecutive C bases (chr20:35,437,724-35,437,730); duplicating any one gives the same sequence. VCF-style (leftmost placement, unchanged base first): chr20-35437723-G-GC. GRCh37 (hg19) VCF-style: chr20-34025503-G-GC.
Other names: c.205dup (NM_000557.2); c.205dup, p.Ala69fs (NM_001319138.2); short protein forms A69fs.
Identifiers: ClinVar variation 8385 (VCV000008385.8), dbSNP rs753691079, ClinGen allele CA9832399.

ClinVar aggregate classification (germline): Pathogenic. Review status: criteria provided, multiple submitters, no conflicts (2 of 4 stars). 4 submissions from 4 submitters: Pathogenic (3). 1 of the submissions does not count toward it. Last evaluated 2024-12-30.

Conditions:
GDF5-related disorder. Also called: GDF5-related condition; GDF5 (CDMP1)-related disorder. Identifiers: MedGen CN169990.
Brachydactyly type C (BDC). Identifiers: Orphanet 93384, MedGen C1862103, MONDO:0007221, OMIM 113100, HP:0009373.

Submissions (4):

GeneDx
Classification: Pathogenic. Last evaluated: 2024-12-30. Review status: criteria provided, single submitter. Criteria: GeneDx Variant Classification Process June 2021. Collection method: clinical testing. Allele origin: germline. Affected: yes.
Comment: Frameshift variant predicted to result in protein truncation or nonsense mediated decay in a gene for which loss of function is a known mechanism of disease; This variant is associated with the following publications: (PMID: 9288091, 12357473, 12567410)

Labcorp Genetics (formerly Invitae), Labcorp
Classification: Pathogenic. Last evaluated: 2024-07-30. Review status: criteria provided, single submitter. Criteria: Invitae Variant Classification Sherloc (09022015). Collection method: clinical testing. Allele origin: germline.
Comment: This sequence change creates a premature translational stop signal (p.Ala69Glyfs*25) in the GDF5 gene. It is expected to result in an absent or disrupted protein product. Loss-of-function variants in GDF5 are known to be pathogenic (PMID: 8589725, 9288091, 12121354, 12357473, 27577507). The frequency data for this variant in the population databases is considered unreliable, as metrics indicate poor data quality at this position in the gnomAD database. This premature translational stop signal has been observed in individual(s) with brachydactyly (PMID: 12567410). ClinVar contains an entry for this variant (Variation ID: 8385). For these reasons, this variant has been classified as Pathogenic.

Blueprint Genetics
Classification: Pathogenic for GDF5-related disorders. Last evaluated: 2023-06-19. Review status: criteria provided, single submitter. Criteria: ACMG Guidelines, 2015. Collection method: clinical testing. Allele origin: germline. Affected: yes. Observed: 3 variant alleles.

OMIM
Classification: Pathogenic for BRACHYDACTYLY, TYPE C. Last evaluated: 2003-03-01. Review status: no assertion criteria provided. Collection method: literature only. Allele origin: germline. Not counted in ClinVar's aggregate classification.

Literature cited by the submitters: PubMed 8589725 (cited by Labcorp Genetics (formerly Invitae), Labcorp); PubMed 9288091 (cited by Labcorp Genetics (formerly Invitae), Labcorp); PubMed 12121354 (cited by Labcorp Genetics (formerly Invitae), Labcorp); PubMed 12357473 (cited by Labcorp Genetics (formerly Invitae), Labcorp); PubMed 27577507 (cited by Labcorp Genetics (formerly Invitae), Labcorp); PubMed 12567410 (cited by Labcorp Genetics (formerly Invitae), Labcorp and OMIM).